The following is an entry in ClinVar:

ClinVar aggregate classification (germline): Likely benign (0 of 4 stars; one submission).

Conditions:
SLC5A9-related disorder. Also called: SLC5A9-related condition.

Allele frequency attached by ClinVar (database versions not stated): gnomAD exomes below 0.00001.

Submission:

PreventionGenetics, part of Exact Sciences
Classification: Likely benign for SLC5A9-related condition. Last evaluated: 2019-07-11. Review status: no assertion criteria provided. Collection method: clinical testing. Allele origin: germline.
Comment: This variant is classified as likely benign based on ACMG/AMP sequence variant interpretation guidelines (Richards et al. 2015 PMID: 25741868, with internal and published modifications).

NM_001011547.3(SLC5A9):c.1767G>A (p.Arg589=)

Gene: SLC5A9 (solute carrier family 5 member 9; plus strand). Cytogenetic location: 1p33.
Variant type: single nucleotide variant.
Coding change: c.1767G>A on transcript NM_001011547.3 (MANE Select); coding-DNA position 1767, G replaced by A.
Protein change: p.Arg589=; no amino-acid change (arginine 589 retained).
Molecular consequence: synonymous variant.
Genome position (GRCh38, 1-based): chr1:48,242,546, G>A. VCF-style: chr1-48242546-G-A. GRCh37 (hg19) VCF-style: chr1-48708218-G-A.
Other names: c.1842G>A, p.Arg614= (NM_001135181.2).
Identifiers: ClinVar variation 3049807 (VCV003049807.2), dbSNP rs2522953762, ClinGen allele CA417827572.